The following is an entry in ClinVar:

NM_000044.6(AR):c.2343G>A (p.Met781Ile)

Gene: AR (androgen receptor; plus strand). Cytogenetic location: Xq12.
Variant type: single nucleotide variant.
Coding change: c.2343G>A on transcript NM_000044.6 (MANE Select); coding-DNA position 2343, G replaced by A.
Protein change: p.Met781Ile; replaces methionine 781 with isoleucine.
Molecular consequence: missense variant.
Genome position (GRCh38, 1-based): chrX:67,721,857, G>A. VCF-style: chrX-67721857-G-A. GRCh37 (hg19) VCF-style: chrX-66941699-G-A.
Other names: c.747G>A, p.Met249Ile (NM_001011645.3); c.2343G>A (NM_000044.2); short protein forms M781I, M249I.
Identifiers: ClinVar variation 492796 (VCV000492796.3), dbSNP rs137852589, ClinGen allele CA413426471.

ClinVar aggregate classification (germline): Pathogenic/Likely pathogenic. Review status: criteria provided, multiple submitters, no conflicts (2 of 4 stars). 3 submissions from 3 submitters: Pathogenic (1); Likely pathogenic (1). 1 of the submissions does not count toward it. Last evaluated 2025-04-16.

Conditions:
Androgen resistance syndrome (AIS). Also called: Androgen insensitivity, complete; Androgen insensitivity syndrome; DHTR DEFICIENCY; ANDROGEN RECEPTOR DEFICIENCY; DIHYDROTESTOSTERONE RECEPTOR DEFICIENCY; TESTICULAR FEMINIZATION SYNDROME. Identifiers: Orphanet 754, Orphanet 99429, MedGen C0039585, MONDO:0019154, OMIM 300068. Disease mechanism: loss of function.

Allele frequency attached by ClinVar (database versions not stated): gnomAD exomes below 0.00001 and 0.00001.
gnomAD v4.1: 1 of 1,210,751 alleles (0.000083%); highest among the groups gnomAD compares: Admixed American, 0.0022%; no homozygotes.

Submissions (3):

Variantyx, Inc.
Classification: Likely pathogenic for Androgen resistance syndrome. Last evaluated: 2025-04-16. Review status: criteria provided, single submitter. Criteria: Variantyx Assertion Criteria 2022. Collection method: clinical testing. Allele origin: maternal. Inheritance: X-linked recessive inheritance.
Comment: This is a nonsynonymous variant in the AR gene (OMIM: 313700). Pathogenic variants in this gene have been associated with X-linked androgen insensitivity. This variant has been reported in unrelated affected individuals (PMID: 1307250, 19125473, 26778393) (PS4_Moderate), and has been observed to segregate with disease in at least 3 individuals from one family (PMID: 19125473) (PP1). This variant lies within a well-established critical functional domain of the AR protein (PM1), and multiple computational algorithms predict a deleterious effect (REVEL score: 0.942) (PP3). This variant has a 0.0029% maximum allele frequency in non-founder control populations (PM2). Based on the current evidence, this variant is classified as likely pathogenic for X-linked androgen insensitivity.

GeneDx
Classification: Pathogenic. Last evaluated: 2024-04-03. Review status: criteria provided, single submitter. Criteria: GeneDx Variant Classification Process June 2021. Collection method: clinical testing. Allele origin: germline. Affected: yes.
Comment: Not observed at significant frequency in large population cohorts (gnomAD); Missense variants in this gene are a common cause of disease and they are underrepresented in the general population; In silico analysis supports that this missense variant has a deleterious effect on protein structure/function; Also known as p.(M780I); This variant is associated with the following publications: (PMID: 7626493, 1458719, 8990010, 1307250, 8824883, 15531547, 11549642, 17054461, 26778393, 8768864, 19125473, 16930995, 31012339, 10323251)

Clinical Molecular Genetics Laboratory, Johns Hopkins All Children's Hospital
Classification: Pathogenic for Androgen resistance syndrome. Last evaluated: 2009-03-23. Review status: no assertion criteria provided. Collection method: clinical testing. Allele origin: germline. Affected: yes. Not counted in ClinVar's aggregate classification.

Literature cited by the submitters: PubMed 1307250 (cited by Variantyx, Inc.); PubMed 19125473 (cited by Variantyx, Inc.); PubMed 26778393 (cited by Variantyx, Inc.).